The following is an entry in ClinVar:

ClinVar aggregate classification (germline): Likely benign. Review status: criteria provided, multiple submitters, no conflicts (2 of 4 stars). 2 submissions from 2 submitters: Likely benign (2). Last evaluated 2025-10-20.

Conditions:
Cataract 19 multiple types. Also called: CATARACT 19, CORTICAL PULVERULENT; CATARACT 19, CONGENITAL TOTAL. Identifiers: Orphanet 91492, MedGen C3809004, MONDO:0014111, OMIM 615277.
LIM2-related disorder. Also called: LIM2-related condition.

Allele frequency attached by ClinVar (database versions not stated): gnomAD exomes below 0.00001; gnomAD 0.00001; TOPMed 0.00003.
gnomAD v4.1: 8 of 1,614,030 alleles (0.0005%); highest among the groups gnomAD compares: Non-Finnish European, 0.00059%; no homozygotes.

Submissions (2):

PreventionGenetics, part of Exact Sciences
Classification: Likely benign for LIM2-related condition. Last evaluated: 2025-10-20. Review status: criteria provided, single submitter. Criteria: ACMG Guidelines, 2015. Collection method: clinical testing. Allele origin: germline.
Comment: This variant is classified as likely benign based on ACMG/AMP sequence variant interpretation guidelines (Richards et al. 2015 PMID: 25741868, with internal and published modifications).

Labcorp Genetics (formerly Invitae), Labcorp
Classification: Likely benign for Cataract 19 multiple types. Last evaluated: 2023-10-06. Review status: criteria provided, single submitter. Criteria: Invitae Variant Classification Sherloc (09022015). Collection method: clinical testing. Allele origin: germline.

NM_001161748.2(LIM2):c.144C>T (p.Gly48=)

Genes: LIM2 (lens intrinsic membrane protein 2; minus strand), LIM2-AS1 (LIM2 and SIGLEC10 antisense RNA 1; plus strand). Cytogenetic location: 19q13.41.
Variant type: single nucleotide variant.
Coding change: c.144C>T on transcript NM_001161748.2 (MANE Select); coding-DNA position 144, C replaced by T.
Protein change: p.Gly48=; no amino-acid change (glycine 48 retained).
Molecular consequence: synonymous variant.
Genome position (GRCh38, 1-based): chr19:51,387,300, G>A on the plus strand (C>T on the coding strand, the complement: LIM2 is on the minus strand). VCF-style: chr19-51387300-G-A. GRCh37 (hg19) VCF-style: chr19-51890554-G-A.
Other names: c.144C>T (NM_030657.3); c.144C>T, p.Gly48= (NM_030657.4).
Identifiers: ClinVar variation 3000015 (VCV003000015.4), dbSNP rs950359176, ClinGen allele CA309723333.